The following is an entry in ClinVar:

NM_020754.4(ARHGAP31):c.1430C>T (p.Pro477Leu)

Gene: ARHGAP31 (Rho GTPase activating protein 31; plus strand). Cytogenetic location: 3q13.33.
Variant type: single nucleotide variant.
Coding change: c.1430C>T on transcript NM_020754.4 (MANE Select); coding-DNA position 1430, C replaced by T.
Protein change: p.Pro477Leu; replaces proline 477 with leucine.
Molecular consequence: missense variant.
Genome position (GRCh38, 1-based): chr3:119,402,182, C>T. VCF-style: chr3-119402182-C-T. GRCh37 (hg19) VCF-style: chr3-119121029-C-T.
Other names: short protein forms P477L.
Identifiers: ClinVar variation 193732 (VCV000193732.12), dbSNP rs200233879, ClinGen allele CA239344.

ClinVar aggregate classification (germline): Conflicting classifications of pathogenicity. Review status: criteria provided, conflicting classifications (1 of 4 stars). 4 submissions from 4 submitters: Uncertain significance (1); Likely benign (2). 1 of the submissions does not count toward it. Last evaluated 2024-07-18.

Conditions:
ARHGAP31-related disorder. Also called: ARHGAP31-related condition.

Allele frequency attached by ClinVar (database versions not stated): gnomAD 0.00001 and 0.00015; TOPMed 0.00003; gnomAD exomes 0.00048; ExAC 0.00056; 1000 Genomes Project 0.00060; 1000 Genomes Project 30x 0.00062.

Submissions (4):

Blueprint Genetics
Classification: Likely benign. Last evaluated: 2024-07-18. Review status: criteria provided, single submitter. Criteria: ACMG Guidelines, 2015. Collection method: clinical testing. Allele origin: germline.

Labcorp Genetics (formerly Invitae), Labcorp
Classification: Likely benign. Last evaluated: 2018-07-26. Review status: criteria provided, single submitter. Criteria: Invitae Variant Classification Sherloc (09022015). Collection method: clinical testing. Allele origin: germline.

Eurofins Ntd Llc (ga)
Classification: Uncertain significance. Last evaluated: 2014-12-11. Review status: criteria provided, single submitter. Criteria: EGL Classification Definitions 2015. Collection method: clinical testing. Allele origin: germline. Observed: 1 variant allele, 1 heterozygote.

PreventionGenetics, part of Exact Sciences
Classification: Likely benign for ARHGAP31-related condition. Last evaluated: 2024-08-14. Review status: no assertion criteria provided. Collection method: clinical testing. Allele origin: germline. Not counted in ClinVar's aggregate classification.
Comment: This variant is classified as likely benign based on ACMG/AMP sequence variant interpretation guidelines (Richards et al. 2015 PMID: 25741868, with internal and published modifications).